The following is an entry in ClinVar:

ClinVar aggregate classification (germline): Uncertain significance. Review status: criteria provided, multiple submitters, no conflicts (2 of 4 stars). 2 submissions from 2 submitters: Uncertain significance (2). Last evaluated 2023-12-08.

Conditions:
Primary ciliary dyskinesia. Also called: Ciliary dyskinesia. Identifiers: Orphanet 244, MedGen C0008780, MONDO:0016575, HP:0012265.

Allele frequency attached by ClinVar (database versions not stated): gnomAD exomes below 0.00001; TOPMed below 0.00001; gnomAD 0.00001.
gnomAD v4.1: 2 of 1,613,802 alleles (0.00012%); highest among the groups gnomAD compares: Non-Finnish European, 0.00017%; no homozygotes.

Submissions (2):

Ambry Genetics
Classification: Uncertain significance for Primary ciliary dyskinesia. Last evaluated: 2023-12-08. Review status: criteria provided, single submitter. Criteria: Ambry Variant Classification Scheme 2023. Collection method: clinical testing. Allele origin: germline.

Labcorp Genetics (formerly Invitae), Labcorp
Classification: Uncertain significance for Primary ciliary dyskinesia. Last evaluated: 2021-09-01. Review status: criteria provided, single submitter. Criteria: Invitae Variant Classification Sherloc (09022015). Collection method: clinical testing. Allele origin: germline.
Comment: This sequence change replaces lysine with glutamic acid at codon 4261 of the DNAH11 protein (p.Lys4261Glu). The lysine residue is moderately conserved and there is a small physicochemical difference between lysine and glutamic acid. This variant is not present in population databases (ExAC no frequency). This variant has not been reported in the literature in individuals affected with DNAH11-related conditions. Algorithms developed to predict the effect of missense changes on protein structure and function are either unavailable or do not agree on the potential impact of this missense change (SIFT: "Deleterious"; PolyPhen-2: "Benign"; Align-GVGD: "Class C0"). In summary, the available evidence is currently insufficient to determine the role of this variant in disease. Therefore, it has been classified as a Variant of Uncertain Significance.

NM_001277115.2(DNAH11):c.12781A>G (p.Lys4261Glu)

Gene: DNAH11 (dynein axonemal heavy chain 11; plus strand). Cytogenetic location: 7p15.3.
Variant type: single nucleotide variant.
Coding change: c.12781A>G on transcript NM_001277115.2 (MANE Select); coding-DNA position 12781, A replaced by G.
Protein change: p.Lys4261Glu; replaces lysine 4261 with glutamic acid.
Molecular consequence: missense variant.
Genome position (GRCh38, 1-based): chr7:21,894,653, A>G. VCF-style: chr7-21894653-A-G. GRCh37 (hg19) VCF-style: chr7-21934271-A-G.
Other names: c.12781A>G (NM_001277115.1); short protein forms K4261E.
Identifiers: ClinVar variation 1054497 (VCV001054497.7), dbSNP rs1463277085, ClinGen allele CA366954306.